The following is an entry in ClinVar:

ClinVar aggregate classification (germline): Uncertain significance (1 of 4 stars; one submission).

Submission:

GeneDx
Classification: Uncertain significance. Last evaluated: 2025-01-15. Review status: criteria provided, single submitter. Criteria: GeneDx Variant Classification Process June 2021. Collection method: clinical testing. Allele origin: germline. Affected: yes.
Comment: Not observed at significant frequency in large population cohorts (gnomAD); In silico analysis indicates that this missense variant does not alter protein structure/function; Has not been previously published as pathogenic or benign to our knowledge

NM_024757.5(EHMT1):c.1052A>G (p.Asp351Gly)

Gene: EHMT1 (euchromatic histone lysine methyltransferase 1; plus strand). Cytogenetic location: 9q34.3.
Variant type: single nucleotide variant.
Coding change: c.1052A>G on transcript NM_024757.5 (MANE Select); coding-DNA position 1052, A replaced by G.
Protein change: p.Asp351Gly; replaces aspartic acid 351 with glycine.
Molecular consequence: missense variant.
Genome position (GRCh38, 1-based): chr9:137,743,972, A>G. VCF-style: chr9-137743972-A-G. GRCh37 (hg19) VCF-style: chr9-140638424-A-G.
Other names: c.1052A>G, p.Asp351Gly (NM_001145527.2, NM_001354611.2); c.959A>G, p.Asp320Gly (NM_001354259.2, NM_001354612.2); c.1031A>G, p.Asp344Gly (NM_001354263.2); short protein forms D320G, D344G, D351G.
Identifiers: ClinVar variation 4070783 (VCV004070783.1).